The following is an entry in ClinVar:

ClinVar aggregate classification (germline): Benign/Likely benign. Review status: criteria provided, multiple submitters, no conflicts (2 of 4 stars). 7 submissions from 7 submitters: Benign (5); Likely benign (2). Last evaluated 2026-09-01.

Conditions:
Inborn genetic diseases. Identifiers: MedGen C0950123, MeSH D030342.

Allele frequency attached by ClinVar (database versions not stated): ESP Exome Variant Server 0.00492; gnomAD 0.00516 and 0.00553; 1000 Genomes Project 30x 0.00562; 1000 Genomes Project 0.00579; TOPMed 0.00615.
gnomAD v4.1: 3,374 of 1,614,136 alleles (0.21%); highest among the groups gnomAD compares: African/African-American, 1.3%; 14 homozygotes.

Submissions (7):

CeGaT Center for Human Genetics Tuebingen
Classification: Likely benign. Last evaluated: 2026-09-01. Review status: criteria provided, single submitter. Criteria: CeGaT Center For Human Genetics Tuebingen Variant Classification Criteria Version 2. Collection method: clinical testing. Allele origin: germline. Affected: yes. Observed: 10 variant alleles.
Comment: KAT6A: BP4, BS1

Labcorp Genetics (formerly Invitae), Labcorp
Classification: Benign. Last evaluated: 2026-02-03. Review status: criteria provided, single submitter. Criteria: Invitae Variant Classification Sherloc (09022015). Collection method: clinical testing. Allele origin: germline.

Blueprint Genetics
Classification: Likely benign. Last evaluated: 2024-11-27. Review status: criteria provided, single submitter. Criteria: ACMG Guidelines, 2015. Collection method: clinical testing. Allele origin: germline.

Genetic Services Laboratory, University of Chicago
Classification: Benign. Last evaluated: 2021-11-19. Review status: criteria provided, single submitter. Criteria: ACMG Guidelines, 2015. Collection method: clinical testing. Allele origin: germline. Affected: no.

GeneDx
Classification: Benign. Last evaluated: 2019-09-27. Review status: criteria provided, single submitter. Criteria: GeneDx Variant Classification Process June 2021. Collection method: clinical testing. Allele origin: germline. Affected: yes.

Ambry Genetics
Classification: Benign for Inborn genetic diseases. Last evaluated: 2016-08-30. Review status: criteria provided, single submitter. Criteria: Ambry Variant Classification Scheme 2023. Collection method: clinical testing. Allele origin: germline.

Breakthrough Genomics
Classification: Benign. Review status: criteria provided, single submitter. Criteria: ACMG Guidelines, 2015. Collection method: not provided. Allele origin: germline. Inheritance: Autosomal dominant inheritance. Affected: yes.

NM_006766.5(KAT6A):c.5379G>A (p.Gln1793=)

Gene: KAT6A (lysine acetyltransferase 6A; minus strand). Cytogenetic location: 8p11.21.
Variant type: single nucleotide variant.
Coding change: c.5379G>A on transcript NM_006766.5 (MANE Select); coding-DNA position 5379, G replaced by A.
Protein change: p.Gln1793=; no amino-acid change (glutamine 1793 retained).
Molecular consequence: synonymous variant.
Genome position (GRCh38, 1-based): chr8:41,932,841, C>T on the plus strand (G>A on the coding strand, the complement: KAT6A is on the minus strand). VCF-style: chr8-41932841-C-T. GRCh37 (hg19) VCF-style: chr8-41790359-C-T.
Identifiers: ClinVar variation 588207 (VCV000588207.45), dbSNP rs34566148, ClinGen allele CA4729314.